The following is an entry in ClinVar:

ClinVar aggregate classification (germline): Pathogenic/Likely pathogenic. Review status: criteria provided, multiple submitters, no conflicts (2 of 4 stars). 2 submissions from 2 submitters: Pathogenic (1); Likely pathogenic (1). Last evaluated 2024-08-28.

Conditions:
Primary hyperoxaluria type 3. Also called: PH III. Identifiers: Orphanet 416, Orphanet 93600, MedGen C3150878, MONDO:0013327, OMIM 613616. Disease mechanism: loss of function.

Submissions (2):

Natera, Inc.
Classification: Likely pathogenic for Primary hyperoxaluria type III. Last evaluated: 2024-08-28. Review status: criteria provided, single submitter. Criteria: Natera Variant Classification Schema (03/2026). Collection method: clinical testing. Allele origin: germline.
Comment: The c.388del variant in HOGA1 is a frameshift variant predicted to shift the reading frame beginning at codon 130 and leads to a stop codon 7 codons downstream. This variant is expected to result in nonsense mediated decay, truncation, or a dysfunctional protein product. This variant is rare in the general population with a frequency below the threshold expected for the associated phenotype(s). Given the available evidence, this variant is classified as Likely Pathogenic.

Labcorp Genetics (formerly Invitae), Labcorp
Classification: Pathogenic. Last evaluated: 2023-06-27. Review status: criteria provided, single submitter. Criteria: Invitae Variant Classification Sherloc (09022015). Collection method: clinical testing. Allele origin: germline.
Comment: This sequence change creates a premature translational stop signal (p.Ala130Leufs*7) in the HOGA1 gene. It is expected to result in an absent or disrupted protein product. Loss-of-function variants in HOGA1 are known to be pathogenic (PMID: 22391140, 22781098). For these reasons, this variant has been classified as Pathogenic. ClinVar contains an entry for this variant (Variation ID: 1380813). This variant has not been reported in the literature in individuals affected with HOGA1-related conditions. This variant is present in population databases (no rsID available, gnomAD 0.007%).

Literature cited by the submitters: PubMed 22391140 (cited by Labcorp Genetics (formerly Invitae), Labcorp); PubMed 22781098 (cited by Labcorp Genetics (formerly Invitae), Labcorp).

NM_138413.4(HOGA1):c.388del (p.Ala130fs)

Gene: HOGA1 (4-hydroxy-2-oxoglutarate aldolase 1; plus strand). Cytogenetic location: 10q24.2.
Variant type: Deletion.
Coding change: c.388del on transcript NM_138413.4 (MANE Select); coding-DNA position 388, one base deleted (G; older notation c.388delG).
Protein change: p.Ala130fs; shifts the reading frame from alanine 130.
Molecular consequence: frameshift variant. On other transcripts: intron variant (1).
Genome position (GRCh38, 1-based): chr10:97,599,136, G deleted; the last of 4 consecutive G bases (chr10:97,599,133-97,599,136); deleting any one gives the same sequence. VCF-style (leftmost placement, unchanged base first): chr10-97599132-CG-C. GRCh37 (hg19) VCF-style: chr10-99358889-CG-C.
Other names: c.212-2721del (NM_001134670.2); c.388del (NM_138413.3); short protein forms A130fs.
Identifiers: ClinVar variation 1380813 (VCV001380813.7), dbSNP rs1249492478, ClinGen allele CA595641395.